The following is an entry in ClinVar:

NM_001282933.2(ZNF341):c.1735C>G (p.Arg579Gly)

Gene: ZNF341 (zinc finger protein 341; plus strand). Cytogenetic location: 20q11.22.
Variant type: single nucleotide variant.
Coding change: c.1735C>G on transcript NM_001282933.2 (MANE Select); coding-DNA position 1735, C replaced by G.
Protein change: p.Arg579Gly; replaces arginine 579 with glycine.
Molecular consequence: missense variant. On other transcripts: non-coding transcript variant (1).
Genome position (GRCh38, 1-based): chr20:33,783,747, C>G. VCF-style: chr20-33783747-C-G. GRCh37 (hg19) VCF-style: chr20-32371553-C-G.
Other names: c.1465C>G, p.Arg489Gly (NM_001282935.2); c.1714C>G, p.Arg572Gly (NM_032819.5); short protein forms R489G, R572G, R579G.
Identifiers: ClinVar variation 1472656 (VCV001472656.4), dbSNP rs148442739, ClinGen allele CA408639671.
Genomic context (GRCh38, chr20:33,783,747, plus strand): 5'-GGGGGGCCCGGTGAGTCAGACCTGAAGGCCCCTCTTCTCTCCCAGGTGTTTCCTTGTGAA[C>G]GCTACCTGCGGCGTCATCTGCCCACCCACGGCAGCGGGGGCAGGTTCAAGTGCCAAGTGT-3'
Protein context (NP_001269862.1, residues 569-589): PHCQKVFPCE[Arg579Gly]YLRRHLPTHG

ClinVar aggregate classification (germline): Uncertain significance (1 of 4 stars; one submission).

Submission:

Labcorp Genetics (formerly Invitae), Labcorp
Classification: Uncertain significance. Last evaluated: 2022-02-10. Review status: criteria provided, single submitter. Criteria: Invitae Variant Classification Sherloc (09022015). Collection method: clinical testing. Allele origin: germline.
Comment: In summary, the available evidence is currently insufficient to determine the role of this variant in disease. Therefore, it has been classified as a Variant of Uncertain Significance. Algorithms developed to predict the effect of sequence changes on RNA splicing suggest that this variant may create or strengthen a splice site. Algorithms developed to predict the effect of missense changes on protein structure and function are either unavailable or do not agree on the potential impact of this missense change (SIFT: "Deleterious"; PolyPhen-2: "Benign"; Align-GVGD: "Class C0"). This variant has not been reported in the literature in individuals affected with ZNF341-related conditions. This variant is not present in population databases (gnomAD no frequency). This sequence change replaces arginine, which is basic and polar, with glycine, which is neutral and non-polar, at codon 572 of the ZNF341 protein (p.Arg572Gly).